The following is an entry in ClinVar:

NM_004370.6(COL12A1):c.8365_8366insCCTCCA (p.Gly2789delinsAlaSerSer)

Gene: COL12A1 (collagen type XII alpha 1 chain; minus strand). Cytogenetic location: 6q13.
Variant type: Insertion.
Coding change: c.8365_8366insCCTCCA on transcript NM_004370.6 (MANE Select); coding-DNA positions 8365 to 8366, CCTCCA inserted.
Protein change: p.Gly2789delinsAlaSerSer.
Molecular consequence: inframe indel.
Genome position: GRCh38 VCF-style: chr6-75102646-C-CTGGAGG. GRCh37 (hg19) VCF-style: chr6-75812362-C-CTGGAGG.
Other names: c.4873_4874insCCTCCA, p.Gly1625delinsAlaSerSer (NM_080645.3).
Identifiers: ClinVar variation 2024398 (VCV002024398.4), dbSNP rs2533103758, ClinGen allele CA2580075784.

ClinVar aggregate classification (germline): Uncertain significance (1 of 4 stars; one submission).

Conditions:
Ullrich congenital muscular dystrophy 2 (UCMD2). Identifiers: Orphanet 75840, MedGen C4225314, MONDO:0014654, OMIM 616470.
Bethlem myopathy 2 (BTHLM2). Identifiers: Orphanet 536516, Orphanet 610, MedGen C4225313, MONDO:0034022, OMIM 616471.

Submission:

Labcorp Genetics (formerly Invitae), Labcorp
Classification: Uncertain significance for Bethlem myopathy 2; Ullrich congenital muscular dystrophy 2. Last evaluated: 2021-12-02. Review status: criteria provided, single submitter. Criteria: Invitae Variant Classification Sherloc (09022015). Collection method: clinical testing. Allele origin: germline.
Comment: In summary, the available evidence is currently insufficient to determine the role of this variant in disease. Therefore, it has been classified as a Variant of Uncertain Significance. Experimental studies and prediction algorithms are not available or were not evaluated, and the functional significance of this variant is currently unknown. This variant has not been reported in the literature in individuals affected with COL12A1-related conditions. This variant is not present in population databases (gnomAD no frequency). This variant, c.8365_8366insCCTCCA, is a complex sequence change that results in the deletion of 1 and insertion of 3 amino acid(s) in the COL12A1 protein (p.Gly2789delinsAlaSerSer).